The following is an entry in ClinVar:

ClinVar aggregate classification (germline): Likely benign (0 of 4 stars; one submission).

Conditions:
ASPH-related disorder. Also called: ASPH-related condition.

Submission:

PreventionGenetics, part of Exact Sciences
Classification: Likely benign for ASPH-related condition. Last evaluated: 2024-07-09. Review status: no assertion criteria provided. Collection method: clinical testing. Allele origin: germline.
Comment: This variant is classified as likely benign based on ACMG/AMP sequence variant interpretation guidelines (Richards et al. 2015 PMID: 25741868, with internal and published modifications).

NM_004318.4(ASPH):c.977-8T>C

Gene: ASPH (aspartate beta-hydroxylase; minus strand). Cytogenetic location: 8q12.3.
Variant type: single nucleotide variant.
Coding change: c.977-8T>C on transcript NM_004318.4 (MANE Select); 8 bases into the intron before coding-DNA position 977, T replaced by C.
Molecular consequence: intron variant.
Genome position (GRCh38, 1-based): chr8:61,584,037, A>G on the plus strand (T>C on the coding strand, the complement: ASPH is on the minus strand). VCF-style: chr8-61584037-A-G. GRCh37 (hg19) VCF-style: chr8-62496596-A-G.
Other names: c.323-8T>C (NM_001413901.1); c.365-8T>C (NM_001413909.1); c.671-8T>C (NM_001413895.1); c.716-8T>C (NM_001413894.1); c.770-8T>C (NM_001413884.1); c.728-8T>C (NM_001413890.1); c.773-8T>C (NM_001413883.1); c.902-8T>C (NM_001413862.1); and 32 more.
Identifiers: ClinVar variation 3345783 (VCV003345783.1).